The following is an entry in ClinVar:

ClinVar aggregate classification (germline): Pathogenic (1 of 4 stars; one submission).

Conditions:
Cardiovascular phenotype. Identifiers: MedGen CN230736.

Submission:

Ambry Genetics
Classification: Pathogenic for Cardiovascular phenotype. Last evaluated: 2022-05-27. Review status: criteria provided, single submitter. Criteria: Ambry Variant Classification Scheme 2023. Collection method: clinical testing. Allele origin: germline.
Comment: The p.Q305* pathogenic mutation (also known as c.913C>T), located in coding exon 5 of the LMNA gene, results from a C to T substitution at nucleotide position 913. This changes the amino acid from a glutamine to a stop codon within coding exon 5. This variant is considered to be rare based on population cohorts in the Genome Aggregation Database (gnomAD). In addition, this alteration is expected to result in loss of function by premature protein truncation or nonsense-mediated mRNA decay. As such, this alteration is interpreted as a disease-causing mutation.

NM_170707.4(LMNA):c.913C>T (p.Gln305Ter)

Gene: LMNA (lamin A/C; plus strand). Cytogenetic location: 1q22.
Variant type: single nucleotide variant.
Coding change: c.913C>T on transcript NM_170707.4 (MANE Select); coding-DNA position 913, C replaced by T.
Protein change: p.Gln305Ter; replaces glutamine 305 with a stop codon.
Molecular consequence: nonsense. On other transcripts: synonymous variant (4).
Genome position (GRCh38, 1-based): chr1:156,135,289, C>T. VCF-style: chr1-156135289-C-T. GRCh37 (hg19) VCF-style: chr1-156105080-C-T.
Other names: c.577C>T, p.Gln193Ter (NM_001257374.3, NM_001406989.1, NM_001406998.1); c.670C>T, p.Gln224Ter (NM_001282624.2, NM_001406986.1, NM_001406987.1); c.913C>T, p.Gln305Ter (NM_001282625.2, NM_001282626.2, NM_001406983.1 and 6 more transcripts); c.616C>T, p.Gln206Ter (NM_001406988.1); c.355C>T, p.Gln119Ter (NM_001406990.1, NM_001406993.1, NM_001406995.1 and 4 more transcripts); c.249C>T, p.Pro83= (NM_001406994.1, NM_001406999.1, NM_001407000.1 and 1 more transcripts); short protein forms Q193*, Q206*, Q305*, Q119*, Q224*.
Identifiers: ClinVar variation 1765936 (VCV001765936.2), dbSNP rs2527981305, ClinGen allele CA342817895.